The following is an entry in ClinVar:

ClinVar aggregate classification (germline): Uncertain significance. Review status: criteria provided, multiple submitters, no conflicts (2 of 4 stars). 2 submissions from 2 submitters: Uncertain significance (2). Last evaluated 2022-09-06.

Conditions:
Duchenne muscular dystrophy (DMD). Also called: MUSCULAR DYSTROPHY, PSEUDOHYPERTROPHIC PROGRESSIVE, DUCHENNE TYPE; Duchenne Muscular Dystrophy (DMD). Identifiers: Orphanet 98896, MedGen C0013264, MONDO:0010679, OMIM 310200.
Cardiovascular phenotype. Identifiers: MedGen CN230736.

gnomAD v4.1: 9 of 1,211,229 alleles (0.00074%); highest among the groups gnomAD compares: Non-Finnish European, 0.001%; no homozygotes.

Submissions (2):

Labcorp Genetics (formerly Invitae), Labcorp
Classification: Uncertain significance for Duchenne muscular dystrophy. Last evaluated: 2022-09-06. Review status: criteria provided, single submitter. Criteria: Invitae Variant Classification Sherloc (09022015). Collection method: clinical testing. Allele origin: germline.
Comment: This sequence change replaces glutamic acid, which is acidic and polar, with glycine, which is neutral and non-polar, at codon 959 of the DMD protein (p.Glu959Gly). This variant is not present in population databases (gnomAD no frequency). This variant has not been reported in the literature in individuals affected with DMD-related conditions. Algorithms developed to predict the effect of missense changes on protein structure and function are either unavailable or do not agree on the potential impact of this missense change (SIFT: "Tolerated"; PolyPhen-2: "Probably Damaging"; Align-GVGD: "Class C0"). In summary, the available evidence is currently insufficient to determine the role of this variant in disease. Therefore, it has been classified as a Variant of Uncertain Significance.

Ambry Genetics
Classification: Uncertain significance for Cardiovascular phenotype. Last evaluated: 2021-04-12. Review status: criteria provided, single submitter. Criteria: Ambry Variant Classification Scheme 2023. Collection method: clinical testing. Allele origin: germline.
Comment: The p.E959G variant (also known as c.2876A>G), located in coding exon 22 of the DMD gene, results from an A to G substitution at nucleotide position 2876. The glutamic acid at codon 959 is replaced by glycine, an amino acid with similar properties. This amino acid position is highly conserved in available vertebrate species. In addition, the in silico prediction for this alteration is inconclusive. Since supporting evidence is limited at this time, the clinical significance of this alteration remains unclear.

NM_004006.3(DMD):c.2876A>G (p.Glu959Gly)

Gene: DMD (dystrophin; minus strand). Cytogenetic location: Xp21.1.
Variant type: single nucleotide variant.
Coding change: c.2876A>G on transcript NM_004006.3 (MANE Select); coding-DNA position 2876, A replaced by G.
Protein change: p.Glu959Gly; replaces glutamic acid 959 with glycine.
Molecular consequence: missense variant.
Genome position (GRCh38, 1-based): chrX:32,472,237, T>C on the plus strand (A>G on the coding strand, the complement: DMD is on the minus strand). VCF-style: chrX-32472237-T-C. GRCh37 (hg19) VCF-style: chrX-32490354-T-C.
Other names: c.2852A>G, p.Glu951Gly (NM_000109.4); c.2864A>G, p.Glu955Gly (NM_004009.3); c.2507A>G, p.Glu836Gly (NM_004010.3); short protein forms E955G, E959G, E836G, E951G.
Identifiers: ClinVar variation 1797097 (VCV001797097.4), dbSNP rs1352857504, ClinGen allele CA412668077.
Genomic context (GRCh38, chrX:32,472,237, plus strand): 5'-AGTCTCTGCTCCATGATTTCATAGTCGGTGACACTAAGTTGAGGTATGGAGAGTTTGGTT[T>C]CTGACTGCTGGACCCATGTCCTGATGGCACTCATGGTCTCCTGATAGCGCATTGGTGGCA-3'
Protein context (NP_003997.2, residues 949-969): SAIRTWVQQS[Glu959Gly]TKLSIPQLSV